The following is an entry in ClinVar:

NM_006514.4(SCN10A):c.1618G>A (p.Gly540Ser)

Gene: SCN10A (sodium voltage-gated channel alpha subunit 10; minus strand). Cytogenetic location: 3p22.2.
Variant type: single nucleotide variant.
Coding change: c.1618G>A on transcript NM_006514.4 (MANE Select); coding-DNA position 1618, G replaced by A.
Protein change: p.Gly540Ser; replaces glycine 540 with serine.
Molecular consequence: missense variant. On other transcripts: intron variant (1).
Genome position (GRCh38, 1-based): chr3:38,752,356, C>T on the plus strand (G>A on the coding strand, the complement: SCN10A is on the minus strand). VCF-style: chr3-38752356-C-T. GRCh37 (hg19) VCF-style: chr3-38793847-C-T.
Other names: c.1618G>A, p.Gly540Ser (NM_001293306.2); c.1462-2172G>A (NM_001293307.2); short protein forms G540S.
Identifiers: ClinVar variation 1776540 (VCV001776540.7), dbSNP rs779182285, ClinGen allele CA352167381.

ClinVar aggregate classification (germline): Uncertain significance. Review status: criteria provided, multiple submitters, no conflicts (2 of 4 stars). 2 submissions from 2 submitters: Uncertain significance (2). Last evaluated 2022-03-25.

Conditions:
Cardiovascular phenotype. Identifiers: MedGen CN230736.
Brugada syndrome. Also called: Sudden unexplained nocturnal death syndrome; Sudden unexpected nocturnal death syndrome; Sudden Unexplained Death Syndrome; Sudden Unexplained Nocturnal Death Syndrome (SUNDS). Identifiers: Orphanet 130, MedGen C1142166, MONDO:0015263.

gnomAD v4.1: 6 of 1,613,624 alleles (0.00037%); highest among the groups gnomAD compares: Non-Finnish European, 0.00042%; no homozygotes.

Submissions (2):

Labcorp Genetics (formerly Invitae), Labcorp
Classification: Uncertain significance for Brugada syndrome. Last evaluated: 2022-03-25. Review status: criteria provided, single submitter. Criteria: Invitae Variant Classification Sherloc (09022015). Collection method: clinical testing. Allele origin: germline.
Comment: In summary, the available evidence is currently insufficient to determine the role of this variant in disease. Therefore, it has been classified as a Variant of Uncertain Significance. Advanced modeling of protein sequence and biophysical properties (such as structural, functional, and spatial information, amino acid conservation, physicochemical variation, residue mobility, and thermodynamic stability) performed at Invitae indicates that this missense variant is not expected to disrupt SCN10A protein function. This variant has not been reported in the literature in individuals affected with SCN10A-related conditions. This variant is not present in population databases (gnomAD no frequency). This sequence change replaces glycine, which is neutral and non-polar, with serine, which is neutral and polar, at codon 540 of the SCN10A protein (p.Gly540Ser).

Ambry Genetics
Classification: Uncertain significance for Cardiovascular phenotype. Last evaluated: 2022-03-16. Review status: criteria provided, single submitter. Criteria: Ambry Variant Classification Scheme 2023. Collection method: clinical testing. Allele origin: germline.
Comment: The p.G540S variant (also known as c.1618G>A), located in coding exon 11 of the SCN10A gene, results from a G to A substitution at nucleotide position 1618. The glycine at codon 540 is replaced by serine, an amino acid with similar properties. This amino acid position is conserved. In addition, this alteration is predicted to be tolerated by in silico analysis. Since supporting evidence is limited at this time, the clinical significance of this alteration remains unclear.